The following is an entry in ClinVar:

ClinVar aggregate classification (germline): Conflicting classifications of pathogenicity. Review status: criteria provided, conflicting classifications (1 of 4 stars). 3 submissions from 3 submitters: Uncertain significance (1); Likely benign (1). 1 of the submissions does not count toward it. Last evaluated 2023-07-19.

Conditions:
CENPF-related disorder. Also called: CENPF-related condition.
Stromme syndrome (STROMS). Also called: APPLE PEEL SYNDROME WITH MICROCEPHALY AND OCULAR ANOMALIES; Strømme Syndrome; Ciliary dyskinesia, primary, 31. Identifiers: Orphanet 444069, Orphanet 506307, MedGen C1855705, MONDO:0009477, OMIM 243605.

Allele frequency attached by ClinVar (database versions not stated): TOPMed 0.00010; ExAC 0.00023; gnomAD 0.00028; 1000 Genomes Project 30x 0.00203; 1000 Genomes Project 0.00240.
gnomAD v4.1: 160 of 1,568,236 alleles (0.01%); highest among the groups gnomAD compares: East Asian, 0.16%; no homozygotes.

Submissions (3):

Labcorp Genetics (formerly Invitae), Labcorp
Classification: Likely benign. Last evaluated: 2023-07-19. Review status: criteria provided, single submitter. Criteria: Invitae Variant Classification Sherloc (09022015). Collection method: clinical testing. Allele origin: germline.

Revvity Omics, Revvity
Classification: Uncertain significance for Stromme syndrome. Last evaluated: 2021-05-12. Review status: criteria provided, single submitter. Criteria: ACMG Guidelines, 2015. Collection method: clinical testing. Allele origin: germline.

PreventionGenetics, part of Exact Sciences
Classification: Likely benign for CENPF-related condition. Last evaluated: 2022-12-12. Review status: no assertion criteria provided. Collection method: clinical testing. Allele origin: germline. Not counted in ClinVar's aggregate classification.
Comment: This variant is classified as likely benign based on ACMG/AMP sequence variant interpretation guidelines (Richards et al. 2015 PMID: 25741868, with internal and published modifications).

NM_016343.4(CENPF):c.4925G>A (p.Arg1642Gln)

Gene: CENPF (centromere protein F; plus strand). Cytogenetic location: 1q41.
Variant type: single nucleotide variant.
Coding change: c.4925G>A on transcript NM_016343.4 (MANE Select); coding-DNA position 4925, G replaced by A.
Protein change: p.Arg1642Gln; replaces arginine 1642 with glutamine.
Molecular consequence: missense variant.
Genome position (GRCh38, 1-based): chr1:214,643,263, G>A. VCF-style: chr1-214643263-G-A. GRCh37 (hg19) VCF-style: chr1-214816606-G-A.
Other names: c.4925G>A (NM_016343.3); short protein forms R1642Q.
Identifiers: ClinVar variation 2167648 (VCV002167648.9), dbSNP rs373295400, ClinGen allele CA1390684.